The following is an entry in ClinVar:

ClinVar aggregate classification (germline): Pathogenic (1 of 4 stars; one submission).

Conditions:
Meckel-Gruber syndrome. Also called: Dysencephalia splachnocystica; DYSENCEPHALIA SPLANCHNOCYSTICA; GRUBER SYNDROME. Identifiers: Orphanet 564, MedGen C0265215, MONDO:0018921.
Nephronophthisis. Also called: Juvenile Nephronophthisis. Identifiers: Orphanet 655, MedGen C0687120, MONDO:0019005, HP:0000090.
Joubert syndrome. Also called: Familial aplasia of the vermis; CEREBELLOPARENCHYMAL DISORDER IV; JOUBERT-BOLTSHAUSER SYNDROME. Identifiers: Orphanet 475, MedGen C5979921, MONDO:0018772.

Submission:

Labcorp Genetics (formerly Invitae), Labcorp
Classification: Pathogenic for Joubert syndrome; Meckel-Gruber syndrome; Nephronophthisis. Last evaluated: 2019-09-03. Review status: criteria provided, single submitter. Criteria: Invitae Variant Classification Sherloc (09022015). Collection method: clinical testing. Allele origin: germline.
Comment: This variant is a gross deletion of the genomic region encompassing exons 35 to part of exon 54 (c.4438-318_7243del) of the CEP290 gene. While this is not anticipated to result in nonsense mediated decay, it likely alters RNA splicing and results in a disrupted protein product. This variant has been observed in individual(s) with Leber congenital amaurosis (Invitae). In at least one individual the data is consistent with the variant being in trans (on the opposite chromosome) from a pathogenic variant. Sub-genic deletion of exons 42 to 54 has been determined to be pathogenic (PMID: 19764032, Invitae). Therefore, deletions that encompass that region are also expected to be pathogenic. For these reasons, this variant has been classified as Pathogenic.

Literature cited by the submitters: PubMed 19764032.

NM_025114.3(CEP290):c.4438-318_7243del

Genes: CEP290 (centrosomal protein 290; minus strand), RLIG1 (RNA 5'-phosphate and 3'-OH ligase 1; plus strand), LOC129390514 (MPRA-validated peak1864 silencer; plus strand), LOC130008346 (ATAC-STARR-seq lymphoblastoid active region 6699; plus strand). Cytogenetic location: 12q21.32.
Variant type: Deletion.
Coding change: c.4438-318_7243del on transcript NM_025114.3; 318 bases into the intron before coding-DNA position 4438 through coding-DNA position 7243, this stretch deleted.
Identifiers: ClinVar variation 647854 (VCV000647854.2).